The following continues an entry in ClinVar:

NM_001005242.3(PKP2):c.2357+1G>A

Gene: PKP2. ClinVar aggregate classification (germline): Pathogenic. Pathogenic (24).

Submissions 9 to 20 of 28:

All of Us Research Program, National Institutes of Health
Classification: Pathogenic for Arrhythmogenic right ventricular cardiomyopathy. Last evaluated: 2024-01-08. Review status: criteria provided, single submitter. Criteria: ACMG Guidelines, 2015. Collection method: clinical testing. Allele origin: germline. Inheritance: Autosomal dominant inheritance. Observed: 3 variant alleles, 3 heterozygotes.
Comment: This variant causes a G to A nucleotide substitution at the +1 position of intron 12 splice donor site of the PKP2 gene. Splice site prediction tools predict that this variant may have a significant impact on RNA splicing. This variant has been reported in over twenty individuals affected with arrhythmogenic right ventricular cardiomyopathy (PMID: 15489853, 17010805, 20031616, 20031617, 21822014, 22214898, 23871674, 28523642, 32916635, 36225810). An RT-PCR of an affected carrier individual has shown that this variant causes either skipping of PKP2 exon 12 or, alternatively, activates a cryptic splice donor site in intron 12 (PMID: 15489853). This variant has been identified in 8/282816 chromosomes in the general population by the Genome Aggregation Database (gnomAD). Loss of PKP2 function is a known mechanism of disease. Based on the available evidence, this variant is classified as Pathogenic.

This study involves interpretation of variants in research participants for the purpose of population health screening. Participant phenotype was not available at the time of variant classification. Additional details can be found in publication PMID: 35346344, PMCID: PMC8962531

Color Diagnostics, LLC DBA Color Health
Classification: Pathogenic for Cardiomyopathy. Last evaluated: 2023-11-15. Review status: criteria provided, single submitter. Criteria: ACMG Guidelines, 2015. Collection method: clinical testing. Allele origin: germline.
Comment: This variant causes a G to A nucleotide substitution at the +1 position of intron 12 splice donor site of the PKP2 gene. Splice site prediction tools predict that this variant may have a significant impact on RNA splicing. This variant has been reported in over twenty individuals affected with arrhythmogenic right ventricular cardiomyopathy (PMID: 15489853, 17010805, 20031616, 20031617, 21822014, 22214898, 23871674, 28523642, 32916635, 36225810). An RT-PCR of an affected carrier individual has shown that this variant causes either skipping of PKP2 exon 12 or, alternatively, activates a cryptic splice donor site in intron 12 (PMID: 15489853). This variant has been identified in 8/282816 chromosomes in the general population by the Genome Aggregation Database (gnomAD). Loss of PKP2 function is a known mechanism of disease. Based on the available evidence, this variant is classified as Pathogenic.

Clinical Genetics Laboratory, Skane University Hospital Lund
Classification: Pathogenic. Last evaluated: 2023-04-14. Review status: criteria provided, single submitter. Criteria: ACMG Guidelines, 2015. Collection method: clinical testing. Allele origin: germline. Affected: yes.

GeneDx
Classification: Pathogenic. Last evaluated: 2022-03-15. Review status: criteria provided, single submitter. Criteria: GeneDx Variant Classification Process June 2021. Collection method: clinical testing. Allele origin: germline. Affected: yes.
Comment: Haplotype analysis suggests this variant may be a Dutch founder mutation (van Tintelen et al., 2006); Canonical splice site variant predicted to result in a null allele in a gene for which loss-of-function is a known mechanism of disease; This variant is associated with the following publications: (PMID: 21822014, 24585727, 23812740, 30391969, 30571190, 30830208, 31447099, 22214898, 21606390, 20400443, 25525159, 21606396, 26332594, 15489853, 20857253, 17010805, 27532257, 16567567, 19358943, 20031617, 20031616, 24125834, 30385303, 30790397, 30847666, 31737537, 32916635, 32931854, 32372669, 31386562, 31402444, 34426522, 33087929)

Genetics and Molecular Pathology, SA Pathology
Classification: Pathogenic for Arrhythmogenic right ventricular dysplasia 9. Last evaluated: 2021-10-18. Review status: criteria provided, single submitter. Criteria: ACMG Guidelines, 2015. Collection method: clinical testing. Allele origin: germline. Affected: yes.

AiLife Diagnostics
Classification: Pathogenic. Last evaluated: 2021-08-18. Review status: criteria provided, single submitter. Criteria: ACMG Guidelines, 2015. Collection method: clinical testing. Allele origin: germline. Affected: yes. Observed: 1 variant allele.

Women's Health and Genetics/Laboratory Corporation of America, LabCorp
Classification: Pathogenic for Familial isolated arrhythmogenic right ventricular dysplasia. Last evaluated: 2021-05-31. Review status: criteria provided, single submitter. Criteria: LabCorp Variant Classification Summary - May 2015. Collection method: clinical testing. Allele origin: germline.
Comment: Variant summary: PKP2 c.2489+1G>A is located in a canonical splice-site and is predicted to affect mRNA splicing resulting in a significantly altered protein due to either exon skipping, shortening, or inclusion of intronic material. Several computational tools predict a significant impact on normal splicing: Four predict the variant abolishes the canonical 5' splicing donor site. At least one publication reports experimental evidence that this variant affects mRNA splicing by skipping of PKP2 exon 12 or, alternatively, activate a cryptic splice donor site in intron 12 (Gerull_2004). The variant allele was found at a frequency of 3.1e-05 in 255982 control chromosomes. c.2489+1G>A has been reported in the literature in multiple individuals affected with Arrhythmogenic Right Ventricular Dysplasia/Cardiomyopathy (example, Gerull_2004, Dalal_2006, Dalal_2009, vanTintelen_2006, Cox_2011, Palmisano_2011, Quarta_2011, Fressart_2010, Bhuiyan_2009, denHaan_2009, Wlodarska_2008, Nakajima_2012, Tan_2010). These data indicate that the variant is very likely to be associated with disease. Multiple clinical diagnostic laboratories have submitted clinical-significance assessments for this variant to ClinVar after 2014 without evidence for independent evaluation. All submitters classified the variant as pathogenic. Based on the evidence outlined above, the variant was classified as pathogenic.

CHEO Genetics Diagnostic Laboratory, Children's Hospital of Eastern Ontario
Classification: Pathogenic for Cardiomyopathy. Last evaluated: 2021-01-05. Review status: criteria provided, single submitter. Criteria: ACMG Guidelines, 2015. Collection method: clinical testing. Allele origin: germline.

Agnes Ginges Centre for Molecular Cardiology, Centenary Institute
Classification: Pathogenic for sudden unexplained death. Last evaluated: 2018-02-09. Review status: criteria provided, single submitter. Criteria: ACMG Guidelines, 2015. Collection method: research. Allele origin: germline. Inheritance: Autosomal dominant inheritance. Affected: yes.
Comment: PKP2 c.2489+1G>A has been previously reported in multiple ARVC probands (Gerull B, et al., 2004; Dalal D, et al., 2006; van Tintelen JP, et al., 2006; Watkins DA, et al., 2009; Fressart V, et al., 2010; van der Werf C, et al., 2010; Tan BY, et al., 2010; Quarta G, et al., 2011; Palmisano BT, et al., 2011; Cox MG, et al., 2011; Nakajima T et al., 2012; Baskin B, et al., 2013) and in at least one family, has been found to segregate to an affected family member (Dalal D, et al., 2006). The variant is present at a low frequency in the Genome Aggregation Database (MAF=0.00002). In summary, the variant has been reported in numerous ARVC cases, is rare in the general population and PKP2 loss of function variants are an established cause of disease, therefore we classify PKP2 c.2489+1G>A as "pathogenic".

Royal Brompton Clinical Genetics And Genomics Laboratory, NHS South East Genomic Laboratory Hub
Classification: Pathogenic for Arrhythmogenic ventricular cardiomyopathy. Last evaluated: 2017-08-21. Review status: criteria provided, single submitter. Criteria: RBHT-CGGL ClinVar Assertion Criteria. Collection method: clinical testing. Allele origin: germline. Affected: yes. Observed: 2 variant alleles.
Comment: This variant has previously been reported in multiple patients with ARVC (Gerull et al. Nat Genet. 2004 Nov;36(11):1162-4; Dalal et al. J Am Coll Cardiol. 2006 Oct 3;48(7):1416-24; Nakajima et al. Circ J. 2012;76(3):737-43; Olfson et al. PLoS One. 2015 Sep 2;10(9):e0135193; Walsh et al. Genet Med. 2017 Feb;19(2):192-203; Xiong et al. Science. 2015 Jan 9;347(6218):1254806; Palmisano et al. Cardiology. 2011;119(1):47-53; Cox et al. Circulation. 2011 Jun 14;123(23):2690-700; Quarta et al. Circulation. 2011 Jun 14;123(23):2701-9; Tan et al. J Cardiovasc Transl Res. 2010 Dec;3(6):663-73; Fressart et al. Europace. 2010 Jun;12(6):861-8; den Haan et al. Circ Cardiovasc Genet. 2009 Oct;2(5):428-35; Bhuiyan et al. Circ Cardiovasc Genet. 2009 Oct;2(5):418-27; Dalal et al. J Am Coll Cardiol. 2009 Apr 14;53(15):1289-99; van Tintelen et al. Circulation. 2006;113(13):1650-8; Dalal et al. Circulation. 2006 Apr 4;113(13):1641-9; ClinVar variation ID 6757). It has been detected at a very low allele frequency in control populations (6/277168; 0.0022%; gnomAD database). Algorithms predict this variant will disrupt the canonical donor splice site and lead to an aberrant splice transcript and premature termination of translation, leading to an abnormal or absent protein. Premature truncation of PKP2 is a known disease mechanism in ARVC (Gerull et al Nat Genet. 2004 Nov;36(11):1162).

Clinical Genetics DNA and cytogenetics Diagnostics Lab, Erasmus MC, Erasmus Medical Center
Classification: Pathogenic for Arrhythmogenic right ventricular dysplasia 9. Last evaluated: 2017-05-31. Review status: criteria provided, single submitter. Criteria: ACGS Guidelines, 2013. Collection method: clinical testing. Allele origin: germline. Affected: yes. Study: VKGL Data-share Consensus.

Laboratory for Molecular Medicine, Mass General Brigham Personalized Medicine
Classification: Pathogenic for Arrhythmogenic right ventricular cardiomyopathy. Last evaluated: 2016-01-20. Review status: criteria provided, single submitter. Criteria: LMM Criteria. Collection method: clinical testing. Allele origin: germline. Observed: 19 variant alleles.
Comment: The c.2489+1G>A variant in PKP2 has been reported in >25 ethnically diverse indi viduals with ARVC and segregated with disease in 4 affected relatives from 4 fam ilies (Gerull 2004, Baskin 2013, Dalal 2009, Dalal 2006, van Tintelen 2006, Cox 2011, Quarta 2011, Fressart 2010, Jordan 1985, Nakajima 2012, Palmisano 2011). T his variant has also been identified by our laboratory in 4 individuals (3 with ARVD/C and 1 with HCM) and segregated with disease in 2 affected relatives from 2 families. The c.2489+1G>A variant has been reported by other clinical laborato ries in ClinVar (Variation ID 6757) and has been identified in 4/126660 European and 2/24030 African chromosomes by the Genome Aggregation Database (gnomAD; dbSNP rs111517471). The c.2489+1G>A variant occur s in the invariant region (+/- 1,2) of the splice consensus sequence and is pred icted to cause altered splicing leading to an abnormal or absent protein. In sum mary, this variant meets criteria to be classified as pathogenic based upon segr egation studies, presence in multiple affected individuals, low frequency in the general population and the predicted impact to the protein.